The following is an entry in ClinVar:

ClinVar aggregate classification (germline): Likely benign (1 of 4 stars; one submission).

Conditions:
SEMA3B-related disorder. Also called: SEMA3B-related condition.

gnomAD v4.1: 4 of 1,613,760 alleles (0.00025%); highest among the groups gnomAD compares: South Asian, 0.0033%; no homozygotes.

Submission:

PreventionGenetics, part of Exact Sciences
Classification: Likely benign for SEMA3B-related condition. Last evaluated: 2026-06-09. Review status: criteria provided, single submitter. Criteria: ACMG Guidelines, 2015. Collection method: clinical testing. Allele origin: germline.
Comment: This variant is classified as likely benign based on ACMG/AMP sequence variant interpretation guidelines (Richards et al. 2015 PMID: 25741868, with internal and published modifications).

NM_001290060.2(SEMA3B):c.270G>A (p.Leu90=)

Gene: SEMA3B (semaphorin 3B; plus strand). Cytogenetic location: 3p21.31.
Variant type: single nucleotide variant.
Coding change: c.270G>A on transcript NM_001290060.2 (MANE Select); coding-DNA position 270, G replaced by A.
Protein change: p.Leu90=; no amino-acid change (leucine 90 retained).
Molecular consequence: synonymous variant.
Genome position (GRCh38, 1-based): chr3:50,270,435, G>A. VCF-style: chr3-50270435-G-A. GRCh37 (hg19) VCF-style: chr3-50307866-G-A.
Other names: c.270G>A, p.Leu90= (NM_001005914.3, NM_001290061.1, NM_001435956.1 and 3 more transcripts).
Identifiers: ClinVar variation 4982526 (VCV004982526.1).